The following is an entry in ClinVar:

ClinVar aggregate classification (germline): Conflicting classifications of pathogenicity. Review status: criteria provided, conflicting classifications (1 of 4 stars). 4 submissions from 4 submitters: Likely pathogenic (1); Uncertain significance (3). Last evaluated 2024-11-05.

Conditions:
Charcot-Marie-Tooth disease type 4. Also called: Charcot-Marie-Tooth, Type 4; Charcot-Marie-Tooth disease, type IV. Identifiers: Orphanet 64749, MedGen C4082197, MONDO:0018995.
Charcot-Marie-Tooth disease type 4B1. Also called: Charcot-Marie-Tooth Neuropathy Type 4B1; CHARCOT-MARIE-TOOTH DISEASE, DEMYELINATING, TYPE 4B1; CHARCOT-MARIE-TOOTH DISEASE, AUTOSOMAL RECESSIVE, WITH FOCALLY FOLDED MYELIN SHEATHS, AUTOSOMAL RECESSIVE, TYPE 4B1; CHARCOT-MARIE-TOOTH DISEASE, TYPE 4B. Identifiers: Orphanet 99955, MedGen C1832399, MONDO:0011066, OMIM 601382.
Inborn genetic diseases. Identifiers: MedGen C0950123, MeSH D030342.

Allele frequency attached by ClinVar (database versions not stated): gnomAD exomes below 0.00001 and 0.00001; gnomAD 0.00001; TOPMed 0.00003.
gnomAD v4.1: 12 of 1,612,930 alleles (0.00074%); highest among the groups gnomAD compares: Admixed American, 0.0033%; no homozygotes.

Submissions (4):

Labcorp Genetics (formerly Invitae), Labcorp
Classification: Uncertain significance for Charcot-Marie-Tooth disease type 4. Last evaluated: 2024-11-05. Review status: criteria provided, single submitter. Criteria: Invitae Variant Classification Sherloc (09022015). Collection method: clinical testing. Allele origin: germline.
Comment: This sequence change creates a premature translational stop signal (p.Gln634*) in the MTMR2 gene. While this is not anticipated to result in nonsense mediated decay, it is expected to disrupt the last 10 amino acid(s) of the MTMR2 protein. This variant is present in population databases (no rsID available, gnomAD 0.003%). This variant has not been reported in the literature in individuals affected with MTMR2-related conditions. ClinVar contains an entry for this variant (Variation ID: 476872). Experimental studies and prediction algorithms are not available or were not evaluated, and the functional significance of this variant is currently unknown. In summary, the available evidence is currently insufficient to determine the role of this variant in disease. Therefore, it has been classified as a Variant of Uncertain Significance.

Fulgent Genetics
Classification: Likely pathogenic for Charcot-Marie-Tooth disease type 4B1. Last evaluated: 2024-04-22. Review status: criteria provided, single submitter. Criteria: ACMG Guidelines, 2015. Collection method: clinical testing. Allele origin: germline.

Blueprint Genetics
Classification: Uncertain significance. Last evaluated: 2023-07-11. Review status: criteria provided, single submitter. Criteria: ACMG Guidelines, 2015. Collection method: clinical testing. Allele origin: germline.

Ambry Genetics
Classification: Uncertain significance for Inborn genetic diseases. Last evaluated: 2022-08-11. Review status: criteria provided, single submitter. Criteria: Ambry Variant Classification Scheme 2023. Collection method: clinical testing. Allele origin: germline.
Comment: The p.Q634* variant (also known as c.1900C>T), located in coding exon 15 of the MTMR2 gene, results from a C to T substitution at nucleotide position 1900. This changes the amino acid from a glutamine to a stop codon within coding exon 15. This alteration occurs at the 3' terminus of theMTMR2 gene, is not expected to trigger nonsense-mediated mRNA decay, and only impacts the last 10 amino acids of the protein. The exact functional effect of this alteration is unknown. Since supporting evidence is limited at this time, the clinical significance of this alteration remains unclear.

NM_016156.6(MTMR2):c.1900C>T (p.Gln634Ter)

Gene: MTMR2 (myotubularin related protein 2; minus strand). Cytogenetic location: 11q21.
Variant type: single nucleotide variant.
Coding change: c.1900C>T on transcript NM_016156.6 (MANE Select); coding-DNA position 1900, C replaced by T.
Protein change: p.Gln634Ter; replaces glutamine 634 with a stop codon.
Molecular consequence: nonsense.
Genome position (GRCh38, 1-based): chr11:95,835,322, G>A on the plus strand (C>T on the coding strand, the complement: MTMR2 is on the minus strand). VCF-style: chr11-95835322-G-A. GRCh37 (hg19) VCF-style: chr11-95568486-G-A.
Other names: c.1684C>T, p.Gln562Ter (NM_001243571.2, NM_201278.3, NM_201281.3); short protein forms Q634*, Q562*.
Identifiers: ClinVar variation 476872 (VCV000476872.14), dbSNP rs923973985, ClinGen allele CA226590942.